The following is an entry in ClinVar:

NM_005655.4(KLF10):c.805C>T (p.Pro269Ser)

Gene: KLF10 (KLF transcription factor 10; minus strand). Cytogenetic location: 8q22.3.
Variant type: single nucleotide variant.
Coding change: c.805C>T on transcript NM_005655.4 (MANE Select); coding-DNA position 805, C replaced by T.
Protein change: p.Pro269Ser; replaces proline 269 with serine.
Molecular consequence: missense variant.
Genome position (GRCh38, 1-based): chr8:102,651,527, G>A on the plus strand (C>T on the coding strand, the complement: KLF10 is on the minus strand). VCF-style: chr8-102651527-G-A. GRCh37 (hg19) VCF-style: chr8-103663755-G-A.
Other names: c.772C>T, p.Pro258Ser (NM_001032282.4); c.805C>T (NM_005655.3); short protein forms P258S, P269S.
Identifiers: ClinVar variation 1508301 (VCV001508301.7), dbSNP rs148900683, ClinGen allele CA4833538.

ClinVar aggregate classification (germline): Conflicting classifications of pathogenicity. Review status: criteria provided, conflicting classifications (1 of 4 stars). 2 submissions from 2 submitters: Uncertain significance (1); Likely benign (1). Last evaluated 2026-04-27.

Conditions:
KLF10-related disorder. Also called: KLF10-related condition.

Allele frequency attached by ClinVar (database versions not stated): gnomAD exomes 0.00005 and 0.00010; ExAC 0.00014; 1000 Genomes Project 30x 0.00016; 1000 Genomes Project 0.00020; TOPMed 0.00051; gnomAD 0.00054 and 0.00058; ESP Exome Variant Server 0.00077.
gnomAD v4.1: 149 of 1,612,276 alleles (0.0092%); highest among the groups gnomAD compares: African/African-American, 0.19%; no homozygotes.

Submissions (2):

PreventionGenetics, part of Exact Sciences
Classification: Likely benign for KLF10-related condition. Last evaluated: 2026-04-27. Review status: criteria provided, single submitter. Criteria: ACMG Guidelines, 2015. Collection method: clinical testing. Allele origin: germline.
Comment: This variant is classified as likely benign based on ACMG/AMP sequence variant interpretation guidelines (Richards et al. 2015 PMID: 25741868, with internal and published modifications).

Labcorp Genetics (formerly Invitae), Labcorp
Classification: Uncertain significance. Last evaluated: 2025-12-26. Review status: criteria provided, single submitter. Criteria: Invitae Variant Classification Sherloc (09022015). Collection method: clinical testing. Allele origin: germline.
Comment: This sequence change replaces proline, which is neutral and non-polar, with serine, which is neutral and polar, at codon 269 of the KLF10 protein (p.Pro269Ser). This variant is present in population databases (rs148900683, gnomAD 0.2%), and has an allele count higher than expected for a pathogenic variant. This variant has not been reported in the literature in individuals affected with KLF10-related conditions. ClinVar contains an entry for this variant (Variation ID: 1508301). An algorithm developed to predict the effect of missense changes on protein structure and function outputs the following: PolyPhen-2: "Benign". The serine amino acid residue is found in multiple mammalian species, which suggests that this missense change does not adversely affect protein function. In summary, the available evidence is currently insufficient to determine the role of this variant in disease. Therefore, it has been classified as a Variant of Uncertain Significance.